The following is an entry in ClinVar:

ClinVar aggregate classification (germline): Pathogenic (3 of 4 stars; one submission).

Conditions:
Breast-ovarian cancer, familial, susceptibility to, 2 (BROVCA2). Also called: BRCA2 Hereditary Breast and Ovarian Cancer. Identifiers: Orphanet 145, MedGen C2675520, MONDO:0012933, OMIM 612555. Disease mechanism: loss of function.

Submission:

Evidence-based Network for the Interpretation of Germline Mutant Alleles (ENIGMA)
Classification: Pathogenic for Breast-ovarian cancer, familial, susceptibility to, 2. Last evaluated: 2016-09-08. Review status: reviewed by expert panel. Criteria: ENIGMA BRCA1/2 Classification Criteria (2015). Collection method: curation. Allele origin: germline.
Comment: Variant allele predicted to encode a truncated non-functional protein.

NM_000059.4(BRCA2):c.8377G>T (p.Gly2793Ter)

Gene: BRCA2 (BRCA2 DNA repair associated; plus strand). Cytogenetic location: 13q13.1.
Variant type: single nucleotide variant.
Coding change: c.8377G>T on transcript NM_000059.4 (MANE Select); coding-DNA position 8377, G replaced by T.
Protein change: p.Gly2793Ter; replaces glycine 2793 with a stop codon.
Molecular consequence: nonsense.
Genome position (GRCh38, 1-based): chr13:32,370,447, G>T. VCF-style: chr13-32370447-G-T. GRCh37 (hg19) VCF-style: chr13-32944584-G-T.
Other names: short protein forms G2793*.
Identifiers: ClinVar variation 254621 (VCV000254621.2), dbSNP rs80359082, ClinGen allele CA10586588.
Genomic context (GRCh38, chr13:32,370,447, plus strand): 5'-TATTAATTTGTCCAGATTTCTGCTAACAGTACTCGGCCTGCTCGCTGGTATACCAAACTT[G>T]GATTCTTTCCTGACCCTAGACCTTTTCCTCTGCCCTTATCATCGCTTTTCAGTGATGGAG-3'